The following is an entry in ClinVar:

NM_001429.4(EP300):c.271C>T (p.Pro91Ser)

Gene: EP300 (EP300 lysine acetyltransferase; plus strand). Cytogenetic location: 22q13.2.
Variant type: single nucleotide variant.
Coding change: c.271C>T on transcript NM_001429.4 (MANE Select); coding-DNA position 271, C replaced by T.
Protein change: p.Pro91Ser; replaces proline 91 with serine.
Molecular consequence: missense variant.
Genome position (GRCh38, 1-based): chr22:41,117,363, C>T. VCF-style: chr22-41117363-C-T. GRCh37 (hg19) VCF-style: chr22-41513367-C-T.
Other names: c.271C>T (NM_001429.3); c.271C>T, p.Pro91Ser (NM_001362843.2); short protein forms P91S.
Identifiers: ClinVar variation 1388681 (VCV001388681.10), dbSNP rs138538553, ClinGen allele CA10252217.

ClinVar aggregate classification (germline): Benign. Review status: criteria provided, single submitter (1 of 4 stars). 2 submissions from 2 submitters: Benign (1). 1 of the submissions does not count toward it. Last evaluated 2025-01-13.

Conditions:
EP300-related disorder. Also called: EP300-related disorders; EP300-related condition.
Rubinstein-Taybi syndrome due to EP300 haploinsufficiency. Also called: RUBINSTEIN-TAYBI SYNDROME 2; EP300-Related Rubinstein-Taybi Syndrome. Identifiers: Orphanet 353284, Orphanet 783, MedGen C3150941, MONDO:0013364, OMIM 613684.

Allele frequency attached by ClinVar (database versions not stated): gnomAD exomes below 0.00001; ExAC 0.00001; gnomAD 0.00001; TOPMed 0.00003; ESP Exome Variant Server 0.00008.

Submissions (2):

Labcorp Genetics (formerly Invitae), Labcorp
Classification: Benign for Rubinstein-Taybi syndrome due to EP300 haploinsufficiency. Last evaluated: 2025-01-13. Review status: criteria provided, single submitter. Criteria: Invitae Variant Classification Sherloc (09022015). Collection method: clinical testing. Allele origin: germline.

PreventionGenetics, part of Exact Sciences
Classification: Uncertain significance for EP300-related condition. Last evaluated: 2024-05-24. Review status: no assertion criteria provided. Collection method: clinical testing. Allele origin: germline. Not counted in ClinVar's aggregate classification.
Comment: The EP300 c.271C>T variant is predicted to result in the amino acid substitution p.Pro91Ser. To our knowledge, this variant has not been reported in the literature. This variant is reported in 0.0062% of alleles in individuals of African descent in gnomAD. At this time, the clinical significance of this variant is uncertain due to the absence of conclusive functional and genetic evidence.